The following is an entry in ClinVar:

NM_000293.3(PHKB):c.3003+6T>C

Gene: PHKB (phosphorylase kinase regulatory subunit beta; plus strand). Cytogenetic location: 16q12.1.
Variant type: single nucleotide variant.
Coding change: c.3003+6T>C on transcript NM_000293.3 (MANE Select); 6 bases into the intron after coding-DNA position 3003, T replaced by C.
Molecular consequence: intron variant.
Genome position (GRCh38, 1-based): chr16:47,696,494, T>C. VCF-style: chr16-47696494-T-C. GRCh37 (hg19) VCF-style: chr16-47730405-T-C.
Other names: c.3003+6T>C (NM_001363837.1); c.2982+6T>C (NM_001031835.3).
Identifiers: ClinVar variation 2187734 (VCV002187734.3), dbSNP rs754153154, ClinGen allele CA2220492739.
Genomic context (GRCh38, chr16:47,696,494, plus strand): 5'-TGAAGACACGTTGGGAAATATTGACCAGCCACAGTACAGACAGATCGTTGTAGAGGTGAG[T>C]AGTAAGAAATGAAGATTGCTGAATAAATGCCTTCTCTCTGCTCCGTGAAAACTAGTATAA-3'

ClinVar aggregate classification (germline): Uncertain significance (1 of 4 stars; one submission).

Conditions:
Glycogen storage disease IXb (GSD9B). Also called: PHOSPHORYLASE KINASE DEFICIENCY OF LIVER AND MUSCLE, AUTOSOMAL RECESSIVE; GLYCOGENOSIS OF LIVER AND MUSCLE, AUTOSOMAL RECESSIVE; GSD IXb. Identifiers: Orphanet 79240, MedGen C0543514, MONDO:0009868, OMIM 261750.

Allele frequency attached by ClinVar (database versions not stated): TOPMed below 0.00001.
gnomAD v4.1: 2 of 1,466,202 alleles (0.00014%); highest among the groups gnomAD compares: Non-Finnish European, 0.00019%; no homozygotes.

Submission:

Labcorp Genetics (formerly Invitae), Labcorp
Classification: Uncertain significance for Glycogen storage disease IXb. Last evaluated: 2025-11-27. Review status: criteria provided, single submitter. Criteria: Invitae Variant Classification Sherloc (09022015). Collection method: clinical testing. Allele origin: germline.
Comment: This sequence change falls in intron 29 of the PHKB gene. It does not directly change the encoded amino acid sequence of the PHKB protein. It affects a nucleotide within the consensus splice site. This variant is not present in population databases (gnomAD no frequency). This variant has not been reported in the literature in individuals affected with PHKB-related conditions. ClinVar contains an entry for this variant (Variation ID: 2187734). Variants that disrupt the consensus splice site are a relatively common cause of aberrant splicing (PMID: 17576681, 9536098). Algorithms developed to predict the effect of sequence changes on RNA splicing suggest that this variant is not likely to affect RNA splicing. In summary, the available evidence is currently insufficient to determine the role of this variant in disease. Therefore, it has been classified as a Variant of Uncertain Significance.

Literature cited by the submitters: PubMed 17576681; PubMed 9536098.